The following is an entry in ClinVar:

ClinVar aggregate classification (germline): Uncertain significance. Review status: criteria provided, multiple submitters, no conflicts (2 of 4 stars). 4 submissions from 4 submitters: Uncertain significance (4). Last evaluated 2025-08-31.

Conditions:
Inborn genetic diseases. Identifiers: MedGen C0950123, MeSH D030342.
Congenital neutropenia-myelofibrosis-nephromegaly syndrome. Also called: Severe congenital neutropenia 5, autosomal recessive. Identifiers: Orphanet 369852, MedGen C3809031, MONDO:0014118, OMIM 615285.

Allele frequency attached by ClinVar (database versions not stated): gnomAD exomes below 0.00001; gnomAD 0.00001; TOPMed 0.00002.

Submissions (4):

Ambry Genetics
Classification: Uncertain significance for Inborn genetic diseases. Last evaluated: 2025-08-31. Review status: criteria provided, single submitter. Criteria: Ambry Variant Classification Scheme 2023. Collection method: clinical testing. Allele origin: germline.

Labcorp Genetics (formerly Invitae), Labcorp
Classification: Uncertain significance for Congenital neutropenia-myelofibrosis-nephromegaly syndrome. Last evaluated: 2022-03-10. Review status: criteria provided, single submitter. Criteria: Invitae Variant Classification Sherloc (09022015). Collection method: clinical testing. Allele origin: germline.
Comment: This sequence change replaces lysine, which is basic and polar, with arginine, which is basic and polar, at codon 67 of the VPS45 protein (p.Lys67Arg). This variant is present in population databases (no rsID available, gnomAD 0.007%). This variant has not been reported in the literature in individuals affected with VPS45-related conditions. Algorithms developed to predict the effect of missense changes on protein structure and function (SIFT, PolyPhen-2, Align-GVGD) all suggest that this variant is likely to be tolerated. In summary, the available evidence is currently insufficient to determine the role of this variant in disease. Therefore, it has been classified as a Variant of Uncertain Significance.

Fulgent Genetics
Classification: Uncertain significance for Congenital neutropenia-myelofibrosis-nephromegaly syndrome. Last evaluated: 2022-01-28. Review status: criteria provided, single submitter. Criteria: ACMG Guidelines, 2015. Collection method: clinical testing. Allele origin: unknown.

Genetic Services Laboratory, University of Chicago
Classification: Uncertain significance. Last evaluated: 2018-06-11. Review status: criteria provided, single submitter. Criteria: ACMG Guidelines, 2015. Collection method: clinical testing. Allele origin: germline. Affected: no.

NM_007259.5(VPS45):c.200A>G (p.Lys67Arg)

Gene: VPS45 (vacuolar protein sorting 45 homolog; plus strand). Cytogenetic location: 1q21.2.
Variant type: single nucleotide variant.
Coding change: c.200A>G on transcript NM_007259.5 (MANE Select); coding-DNA position 200, A replaced by G.
Protein change: p.Lys67Arg; replaces lysine 67 with arginine.
Molecular consequence: missense variant. On other transcripts: non-coding transcript variant (1).
Genome position (GRCh38, 1-based): chr1:150,068,736, A>G. VCF-style: chr1-150068736-A-G. GRCh37 (hg19) VCF-style: chr1-150040793-A-G.
Other names: c.92A>G, p.Lys31Arg (NM_001279353.2, NM_001279354.2); c.200A>G (NM_007259.3); short protein forms K31R, K67R.
Identifiers: ClinVar variation 1336743 (VCV001336743.8), dbSNP rs1348750495, ClinGen allele CA342258880.